The following is an entry in ClinVar:

ClinVar aggregate classification (germline): Uncertain significance. Review status: criteria provided, multiple submitters, no conflicts (2 of 4 stars). 2 submissions from 2 submitters: Uncertain significance (2). Last evaluated 2023-11-03.

Conditions:
Inborn genetic diseases. Identifiers: MedGen C0950123, MeSH D030342.

Allele frequency attached by ClinVar (database versions not stated): ExAC 0.00002; TOPMed 0.00002.
gnomAD v4.1: 7 of 1,613,994 alleles (0.00043%); highest among the groups gnomAD compares: East Asian, 0.0045%; no homozygotes.

Submissions (2):

Ambry Genetics
Classification: Uncertain significance for Inborn genetic diseases. Last evaluated: 2023-11-03. Review status: criteria provided, single submitter. Criteria: Ambry Variant Classification Scheme 2023. Collection method: clinical testing. Allele origin: germline.

Labcorp Genetics (formerly Invitae), Labcorp
Classification: Uncertain significance. Last evaluated: 2022-02-08. Review status: criteria provided, single submitter. Criteria: Invitae Variant Classification Sherloc (09022015). Collection method: clinical testing. Allele origin: germline.
Comment: Algorithms developed to predict the effect of missense changes on protein structure and function (SIFT, PolyPhen-2, Align-GVGD) all suggest that this variant is likely to be disruptive. In summary, the available evidence is currently insufficient to determine the role of this variant in disease. Therefore, it has been classified as a Variant of Uncertain Significance. This variant has not been reported in the literature in individuals affected with FAT1-related conditions. This variant is present in population databases (rs751134485, gnomAD 0.006%). This sequence change replaces arginine, which is basic and polar, with cysteine, which is neutral and slightly polar, at codon 1947 of the FAT1 protein (p.Arg1947Cys).

NM_005245.4(FAT1):c.5839C>T (p.Arg1947Cys)

Gene: FAT1 (FAT atypical cadherin 1; minus strand). Cytogenetic location: 4q35.2.
Variant type: single nucleotide variant.
Coding change: c.5839C>T on transcript NM_005245.4 (MANE Select); coding-DNA position 5839, C replaced by T.
Protein change: p.Arg1947Cys; replaces arginine 1947 with cysteine.
Molecular consequence: missense variant.
Genome position (GRCh38, 1-based): chr4:186,620,747, G>A on the plus strand (C>T on the coding strand, the complement: FAT1 is on the minus strand). VCF-style: chr4-186620747-G-A. GRCh37 (hg19) VCF-style: chr4-187541901-G-A.
Other names: c.5839C>T (NM_005245.3); short protein forms R1947C.
Identifiers: ClinVar variation 1971323 (VCV001971323.6), dbSNP rs751134485, ClinGen allele CA3166372.